The following is an entry in ClinVar:

NM_001379451.1(BCORL1):c.2447G>A (p.Arg816Gln)

Gene: BCORL1 (BCL6 corepressor like 1; plus strand). Cytogenetic location: Xq26.1.
Variant type: single nucleotide variant.
Coding change: c.2447G>A on transcript NM_001379451.1 (MANE Select); coding-DNA position 2447, G replaced by A.
Protein change: p.Arg816Gln; replaces arginine 816 with glutamine.
Molecular consequence: missense variant.
Genome position (GRCh38, 1-based): chrX:130,015,219, G>A. VCF-style: chrX-130015219-G-A. GRCh37 (hg19) VCF-style: chrX-129149195-G-A.
Other names: c.2447G>A, p.Arg816Gln (NM_001184772.3, NM_001379450.1, NM_021946.5); short protein forms R816Q.
Identifiers: ClinVar variation 387736 (VCV000387736.2), dbSNP rs754162657, ClinGen allele CA16608738.

ClinVar aggregate classification (germline): Uncertain significance (1 of 4 stars; one submission).

Allele frequency attached by ClinVar (database versions not stated): TOPMed 0.00001; gnomAD 0.00002; gnomAD exomes 0.00004 and 0.00001.
gnomAD v4.1: 50 of 1,210,709 alleles (0.0041%); highest among the groups gnomAD compares: Non-Finnish European, 0.0047%; no homozygotes.

Submission:

GeneDx
Classification: Uncertain significance. Last evaluated: 2016-07-25. Review status: criteria provided, single submitter. Criteria: GeneDx Variant Classification (06012015). Collection method: clinical testing. Allele origin: germline. Affected: yes.
Comment: The R816Q variant in the BCORL1 gene has not been reported previously as a pathogenic variant, nor as a benign variant, to our knowledge. The R816Q variant was not observed in approximately 6,500 individuals of European and African American ancestry in the NHLBI Exome Sequencing Project, indicating it is not a common benign variant in these populations. The R816Q variant is a semi-conservative amino acid substitution, which may impact secondary protein structure as these residues differ in some properties. This substitution occurs at a position that is conserved across species. In silico analysis is inconsistent in its predictions as to whether or not the variant is damaging to the protein structure/function. We interpret R816Q as a variant of uncertain significance.